The following is an entry in ClinVar:

NM_000057.4(BLM):c.68A>G (p.Asn23Ser)

Gene: BLM (BLM RecQ like helicase; plus strand). Cytogenetic location: 15q26.1.
Variant type: single nucleotide variant.
Coding change: c.68A>G on transcript NM_000057.4 (MANE Select); coding-DNA position 68, A replaced by G.
Protein change: p.Asn23Ser; replaces asparagine 23 with serine.
Molecular consequence: missense variant. On other transcripts: 5 prime UTR variant (1).
Genome position (GRCh38, 1-based): chr15:90,747,460, A>G. VCF-style: chr15-90747460-A-G. GRCh37 (hg19) VCF-style: chr15-91290690-A-G.
Other names: c.68A>G, p.Asn23Ser (NM_001287246.2, NM_001287247.2); c.-1224A>G (NM_001287248.2); short protein forms N23S.
Identifiers: ClinVar variation 3656815 (VCV003656815.2).

ClinVar aggregate classification (germline): Uncertain significance (1 of 4 stars; one submission).

Conditions:
Bloom syndrome (BLM). Also called: Bloom-Torre-Machacek syndrome. Identifiers: Orphanet 125, MedGen C0005859, MONDO:0008876, OMIM 210900.

Submission:

Labcorp Genetics (formerly Invitae), Labcorp
Classification: Uncertain significance for Bloom syndrome. Last evaluated: 2024-06-17. Review status: criteria provided, single submitter. Criteria: Invitae Variant Classification Sherloc (09022015). Collection method: clinical testing. Allele origin: germline.
Comment: This sequence change replaces asparagine, which is neutral and polar, with serine, which is neutral and polar, at codon 23 of the BLM protein (p.Asn23Ser). This variant is not present in population databases (gnomAD no frequency). This variant has not been reported in the literature in individuals affected with BLM-related conditions. An algorithm developed to predict the effect of missense changes on protein structure and function (PolyPhen-2) suggests that this variant is likely to be tolerated. In summary, the available evidence is currently insufficient to determine the role of this variant in disease. Therefore, it has been classified as a Variant of Uncertain Significance.